The following is an entry in ClinVar:

ClinVar aggregate classification (germline): Uncertain significance (1 of 4 stars; one submission).

gnomAD v4.1: 10 of 1,556,832 alleles (0.00064%); highest among the groups gnomAD compares: East Asian, 0.022%; no homozygotes.

Submission:

Labcorp Genetics (formerly Invitae), Labcorp
Classification: Uncertain significance. Last evaluated: 2024-03-23. Review status: criteria provided, single submitter. Criteria: Invitae Variant Classification Sherloc (09022015). Collection method: clinical testing. Allele origin: germline.
Comment: This sequence change replaces leucine, which is neutral and non-polar, with valine, which is neutral and non-polar, at codon 350 of the IKZF1 protein (p.Leu350Val). This variant is present in population databases (no rsID available, gnomAD 0.02%). This variant has not been reported in the literature in individuals affected with IKZF1-related conditions. An algorithm developed to predict the effect of missense changes on protein structure and function (PolyPhen-2) suggests that this variant is likely to be tolerated. In summary, the available evidence is currently insufficient to determine the role of this variant in disease. Therefore, it has been classified as a Variant of Uncertain Significance.

NM_006060.6(IKZF1):c.1048C>G (p.Leu350Val)

Gene: IKZF1 (IKAROS family zinc finger 1; plus strand). Cytogenetic location: 7p12.2.
Variant type: single nucleotide variant.
Coding change: c.1048C>G on transcript NM_006060.6 (MANE Select); coding-DNA position 1048, C replaced by G.
Protein change: p.Leu350Val; replaces leucine 350 with valine.
Molecular consequence: missense variant.
Genome position (GRCh38, 1-based): chr7:50,400,115, C>G. VCF-style: chr7-50400115-C-G. GRCh37 (hg19) VCF-style: chr7-50467813-C-G.
Other names: c.922C>G, p.Leu308Val (NM_001220765.3, NM_001291837.2); c.757C>G, p.Leu253Val (NM_001220767.2); c.463C>G, p.Leu155Val (NM_001291844.1); c.1108C>G, p.Leu370Val (NM_001410879.1); c.619C>G, p.Leu207Val (NM_001291841.1, NM_001220771.2); c.589C>G, p.Leu197Val (NM_001291842.1); c.493C>G, p.Leu165Val (NM_001291843.1); c.787C>G, p.Leu263Val (NM_001220768.2, NM_001291838.2); and 3 more; short protein forms L120V, L221V, L370V, L308V, L165V, L197V, L263V, L155V.
Identifiers: ClinVar variation 3678154 (VCV003678154.2).